The following is an entry in ClinVar:

NM_004960.4(FUS):c.557G>T (p.Ser186Ile)

Gene: FUS (FUS RNA binding protein; plus strand). Cytogenetic location: 16p11.2.
Variant type: single nucleotide variant.
Coding change: c.557G>T on transcript NM_004960.4 (MANE Select); coding-DNA position 557, G replaced by T.
Protein change: p.Ser186Ile; replaces serine 186 with isoleucine.
Molecular consequence: missense variant. On other transcripts: non-coding transcript variant (1).
Genome position (GRCh38, 1-based): chr16:31,184,972, G>T. VCF-style: chr16-31184972-G-T. GRCh37 (hg19) VCF-style: chr16-31196293-G-T.
Other names: c.554G>T, p.Ser185Ile (NM_001170634.1); c.545G>T, p.Ser182Ile (NM_001170937.1); short protein forms S185I, S182I, S186I.
Identifiers: ClinVar variation 4260629 (VCV004260629.2).

ClinVar aggregate classification (germline): Conflicting classifications of pathogenicity. Review status: criteria provided, conflicting classifications (1 of 4 stars). 2 submissions from 2 submitters: Uncertain significance (1); Likely benign (1). Last evaluated 2025-09-18.

Conditions:
Inborn genetic diseases. Identifiers: MedGen C0950123, MeSH D030342.
Amyotrophic lateral sclerosis type 6. Also called: Amyotrophic lateral sclerosis 6, with or without frontotemporal dementia; FUS-Related Amyotrophic Laterial Sclerosis; AMYOTROPHIC LATERAL SCLEROSIS 6 WITHOUT FRONTOTEMPORAL DEMENTIA. Identifiers: Orphanet 275872, Orphanet 803, MedGen C2931786, MONDO:0011951, OMIM 608030.
Tremor, hereditary essential, 4 (ETM4). Identifiers: MedGen C3539195, MONDO:0013888, OMIM 614782.

gnomAD v4.1: 16 of 1,613,556 alleles (0.00099%); highest among the groups gnomAD compares: South Asian, 0.013%; 1 homozygote.

Submissions (2):

Labcorp Genetics (formerly Invitae), Labcorp
Classification: Uncertain significance for Tremor, hereditary essential, 4; Amyotrophic lateral sclerosis type 6. Last evaluated: 2025-09-18. Review status: criteria provided, single submitter. Criteria: Invitae Variant Classification Sherloc (09022015). Collection method: clinical testing. Allele origin: germline.
Comment: This sequence change replaces serine, which is neutral and polar, with isoleucine, which is neutral and non-polar, at codon 186 of the FUS protein (p.Ser186Ile). This variant is present in population databases (rs751402052, gnomAD 0.01%). This variant has not been reported in the literature in individuals affected with FUS-related conditions. Experimental studies and prediction algorithms are not available or were not evaluated, and the functional significance of this variant is currently unknown. In summary, the available evidence is currently insufficient to determine the role of this variant in disease. Therefore, it has been classified as a Variant of Uncertain Significance.

Ambry Genetics
Classification: Likely benign for Inborn genetic diseases. Last evaluated: 2025-07-02. Review status: criteria provided, single submitter. Criteria: Ambry Variant Classification Scheme 2023. Collection method: clinical testing. Allele origin: germline.